The following is an entry in ClinVar:

ClinVar aggregate classification (germline): Uncertain significance (1 of 4 stars; one submission).

gnomAD v4.1: 1 of 1,614,086 alleles (0.000062%); highest among the groups gnomAD compares: Admixed American, 0.0017%; no homozygotes.

Submission:

Labcorp Genetics (formerly Invitae), Labcorp
Classification: Uncertain significance. Last evaluated: 2025-12-13. Review status: criteria provided, single submitter. Criteria: Invitae Variant Classification Sherloc (09022015). Collection method: clinical testing. Allele origin: germline.
Comment: This sequence change replaces methionine, which is neutral and non-polar, with threonine, which is neutral and polar, at codon 243 of the CTNNB1 protein (p.Met243Thr). This variant is present in population databases (no rsID available, gnomAD 0.003%). This variant has not been reported in the literature in individuals affected with CTNNB1-related conditions. Invitae Evidence Modeling of protein sequence and biophysical properties (such as structural, functional, and spatial information, amino acid conservation, physicochemical variation, residue mobility, and thermodynamic stability) indicates that this missense variant is expected to disrupt CTNNB1 protein function with a positive predictive value of 80%. In summary, the available evidence is currently insufficient to determine the role of this variant in disease. Therefore, it has been classified as a Variant of Uncertain Significance.

NM_001904.4(CTNNB1):c.728T>C (p.Met243Thr)

Genes: CTNNB1 (catenin beta 1; plus strand), LOC126806658 (BRD4-independent group 4 enhancer GRCh37_chr3:41265899-41267098; plus strand). Cytogenetic location: 3p22.1.
Variant type: single nucleotide variant.
Coding change: c.728T>C on transcript NM_001904.4 (MANE Select); coding-DNA position 728, T replaced by C.
Protein change: p.Met243Thr; replaces methionine 243 with threonine.
Molecular consequence: missense variant.
Genome position (GRCh38, 1-based): chr3:41,225,566, T>C. VCF-style: chr3-41225566-T-C. GRCh37 (hg19) VCF-style: chr3-41267057-T-C.
Other names: c.728T>C, p.Met243Thr (NM_001098209.2, NM_001098210.2, NM_001438871.1 and 4 more transcripts); c.707T>C, p.Met236Thr (NM_001330729.2); short protein forms M236T, M243T.
Identifiers: ClinVar variation 4768818 (VCV004768818.1).